The following is an entry in ClinVar:

NM_000188.3(HK1):c.2492C>T (p.Ala831Val)

Gene: HK1 (hexokinase 1; plus strand). Cytogenetic location: 10q22.1.
Variant type: single nucleotide variant.
Coding change: c.2492C>T on transcript NM_000188.3 (MANE Select); coding-DNA position 2492, C replaced by T.
Protein change: p.Ala831Val; replaces alanine 831 with valine.
Molecular consequence: missense variant.
Genome position (GRCh38, 1-based): chr10:69,398,711, C>T. VCF-style: chr10-69398711-C-T. GRCh37 (hg19) VCF-style: chr10-71158467-C-T.
Other names: c.2504C>T, p.Ala835Val (NM_001322364.2, NM_001358263.1, NM_033497.3 and 1 more transcripts); c.2597C>T, p.Ala866Val (NM_001322365.2); c.2408C>T, p.Ala803Val (NM_001322366.1); c.2396C>T, p.Ala799Val (NM_001322367.1); c.2489C>T, p.Ala830Val (NM_033496.3); c.2456C>T, p.Ala819Val (NM_033500.2); short protein forms A803V, A819V, A831V, A799V, A830V, A835V, A866V.
Identifiers: ClinVar variation 2607226 (VCV002607226.4), dbSNP rs1840251579, ClinGen allele CA376916909.

ClinVar aggregate classification (germline): Uncertain significance. Review status: criteria provided, multiple submitters, no conflicts (2 of 4 stars). 2 submissions from 2 submitters: Uncertain significance (2). Last evaluated 2024-10-12.

Conditions:
Inborn genetic diseases. Identifiers: MedGen C0950123, MeSH D030342.

Allele frequency attached by ClinVar (database versions not stated): gnomAD exomes below 0.00001.
gnomAD v4.1: 1 of 1,614,212 alleles (0.000062%); highest among the groups gnomAD compares: Non-Finnish European, 0.000085%; no homozygotes.

Submissions (2):

Labcorp Genetics (formerly Invitae), Labcorp
Classification: Uncertain significance. Last evaluated: 2024-10-12. Review status: criteria provided, single submitter. Criteria: Invitae Variant Classification Sherloc (09022015). Collection method: clinical testing. Allele origin: germline.
Comment: This sequence change replaces alanine, which is neutral and non-polar, with valine, which is neutral and non-polar, at codon 831 of the HK1 protein (p.Ala831Val). This variant is not present in population databases (gnomAD no frequency). This variant has not been reported in the literature in individuals affected with HK1-related conditions. ClinVar contains an entry for this variant (Variation ID: 2607226). Invitae Evidence Modeling of protein sequence and biophysical properties (such as structural, functional, and spatial information, amino acid conservation, physicochemical variation, residue mobility, and thermodynamic stability) has been performed for this missense variant. However, the output from this modeling did not meet the statistical confidence thresholds required to predict the impact of this variant on HK1 protein function. In summary, the available evidence is currently insufficient to determine the role of this variant in disease. Therefore, it has been classified as a Variant of Uncertain Significance.

Ambry Genetics
Classification: Uncertain significance for Inborn genetic diseases. Last evaluated: 2023-06-29. Review status: criteria provided, single submitter. Criteria: Ambry Variant Classification Scheme 2023. Collection method: clinical testing. Allele origin: germline.